The following is an entry in ClinVar:

NM_000381.4(MID1):c.1489C>T (p.Leu497=)

Gene: MID1 (midline 1; minus strand). Cytogenetic location: Xp22.2.
Variant type: single nucleotide variant.
Coding change: c.1489C>T on transcript NM_000381.4 (MANE Select); coding-DNA position 1489, C replaced by T.
Protein change: p.Leu497=; no amino-acid change (leucine 497 retained).
Molecular consequence: synonymous variant.
Genome position (GRCh38, 1-based): chrX:10,455,036, G>A on the plus strand (C>T on the coding strand, the complement: MID1 is on the minus strand). VCF-style: chrX-10455036-G-A. GRCh37 (hg19) VCF-style: chrX-10423076-G-A.
Other names: c.1489C>T, p.Leu497= (NM_001098624.2, NM_001193277.1, NM_001347733.2 and 1 more transcripts); c.1375C>T, p.Leu459= (NM_033289.2).
Identifiers: ClinVar variation 211496 (VCV000211496.49), dbSNP rs138629923, ClinGen allele CA209989.

ClinVar aggregate classification (germline): Conflicting classifications of pathogenicity. Review status: criteria provided, conflicting classifications (1 of 4 stars). 5 submissions from 5 submitters: Uncertain significance (1); Benign (1); Likely benign (3). Last evaluated 2026-01-26.

Allele frequency attached by ClinVar (database versions not stated): gnomAD exomes 0.00036 and 0.00067; ExAC 0.00037; TOPMed 0.00044; gnomAD 0.00046 and 0.00051; ESP Exome Variant Server 0.00095.
gnomAD v4.1: 785 of 1,209,667 alleles (0.065%); highest among the groups gnomAD compares: Non-Finnish European, 0.082%; no homozygotes.

Submissions (5):

Labcorp Genetics (formerly Invitae), Labcorp
Classification: Benign. Last evaluated: 2026-01-26. Review status: criteria provided, single submitter. Criteria: Invitae Variant Classification Sherloc (09022015). Collection method: clinical testing. Allele origin: germline.

Blueprint Genetics
Classification: Likely benign. Last evaluated: 2024-11-28. Review status: criteria provided, single submitter. Criteria: ACMG Guidelines, 2015. Collection method: clinical testing. Allele origin: germline.

CeGaT Center for Human Genetics Tuebingen
Classification: Likely benign. Last evaluated: 2024-02-01. Review status: criteria provided, single submitter. Criteria: CeGaT Center For Human Genetics Tuebingen Variant Classification Criteria Version 2. Collection method: clinical testing. Allele origin: germline. Affected: yes. Observed: 4 variant alleles.
Comment: MID1: BP4, BS2

Eurofins Ntd Llc (ga)
Classification: Likely benign. Last evaluated: 2016-04-29. Review status: criteria provided, single submitter. Criteria: EGL Classification Definitions 2015. Collection method: clinical testing. Allele origin: germline. Observed: 1 variant allele, 1 hemizygote.

Genetic Services Laboratory, University of Chicago
Classification: Uncertain significance. Last evaluated: 2015-05-28. Review status: criteria provided, single submitter. Criteria: ACMG Guidelines, 2015. Collection method: clinical testing. Allele origin: germline.